The following is an entry in ClinVar:

NM_005591.4(MRE11):c.1306T>A (p.Tyr436Asn)

Gene: MRE11 (MRE11 double strand break repair nuclease; minus strand). Cytogenetic location: 11q21.
Variant type: single nucleotide variant.
Coding change: c.1306T>A on transcript NM_005591.4 (MANE Select); coding-DNA position 1306, T replaced by A.
Protein change: p.Tyr436Asn; replaces tyrosine 436 with asparagine.
Molecular consequence: missense variant.
Genome position (GRCh38, 1-based): chr11:94,460,956, A>T on the plus strand (T>A on the coding strand, the complement: MRE11 is on the minus strand). VCF-style: chr11-94460956-A-T. GRCh37 (hg19) VCF-style: chr11-94194122-A-T.
Other names: c.1306T>A, p.Tyr436Asn (NM_001330347.2, NM_005590.4); short protein forms Y436N.
Identifiers: ClinVar variation 818871 (VCV000818871.4), dbSNP rs587781439, ClinGen allele CA382372312.

ClinVar aggregate classification (germline): Uncertain significance (1 of 4 stars; one submission).

Conditions:
Hereditary cancer-predisposing syndrome. Also called: Tumor predisposition; Hereditary neoplastic syndrome; Neoplastic Syndromes, Hereditary; Hereditary Cancer Syndrome. Identifiers: Orphanet 140162, MedGen C0027672, MeSH D009386, MONDO:0015356.

Submission:

Ambry Genetics
Classification: Uncertain significance for Hereditary cancer-predisposing syndrome. Last evaluated: 2019-01-07. Review status: criteria provided, single submitter. Criteria: Ambry Variant Classification Scheme 2023. Collection method: clinical testing. Allele origin: germline.
Comment: The p.Y436N variant (also known as c.1306T>A), located in coding exon 11 of the MRE11A gene, results from a T to A substitution at nucleotide position 1306. The tyrosine at codon 436 is replaced by asparagine, an amino acid with dissimilar properties. This amino acid position is highly conserved in available vertebrate species. In addition, this alteration is predicted to be deleterious by in silico analysis. Since supporting evidence is limited at this time, the clinical significance of this alteration remains unclear.